The following is an entry in ClinVar:

ClinVar aggregate classification (germline): Uncertain significance. Review status: criteria provided, multiple submitters, no conflicts (2 of 4 stars). 5 submissions from 5 submitters: Uncertain significance (5). Last evaluated 2026-06-11.

Conditions:
POLG-related disorder. Also called: POLG-Related Spectrum Disorders; POLG-related condition; POLG-Related Disorders. Identifiers: MedGen C4763519.
Inborn genetic diseases. Identifiers: MedGen C0950123, MeSH D030342.
Progressive sclerosing poliodystrophy (MTDPS4A). Also called: Mitochondrial DNA depletion syndrome 4A (Alpers type); Mitochondrial DNA Depletion Syndrome 4A; ALPERS PROGRESSIVE INFANTILE POLIODYSTROPHY; ALPERS DIFFUSE DEGENERATION OF CEREBRAL GRAY MATTER WITH HEPATIC CIRRHOSIS; Alpers-Huttenlocher Syndrome; Alpers Syndrome. Identifiers: Orphanet 726, MedGen C0205710, MONDO:0008758, OMIM 203700.

Allele frequency attached by ClinVar (database versions not stated): gnomAD exomes below 0.00001; gnomAD 0.00001; TOPMed 0.00002.
gnomAD v4.1: 3 of 1,614,012 alleles (0.00019%); highest among the groups gnomAD compares: Admixed American, 0.0033%; no homozygotes.

Submissions (5):

PreventionGenetics, part of Exact Sciences
Classification: Uncertain significance for POLG-related condition. Last evaluated: 2026-06-11. Review status: criteria provided, single submitter. Criteria: ACMG Guidelines, 2015. Collection method: clinical testing. Allele origin: germline.
Comment: The POLG c.1054A>G variant is predicted to result in the amino acid substitution p.Ser352Gly. To our knowledge, this variant has not been reported in the literature. This variant is reported in 0.0029% of alleles in individuals of Latino descent in gnomAD. At this time, the clinical significance of this variant is uncertain due to the absence of conclusive functional and genetic evidence.

CeGaT Center for Human Genetics Tuebingen
Classification: Uncertain significance. Last evaluated: 2026-06-01. Review status: criteria provided, single submitter. Criteria: CeGaT Center For Human Genetics Tuebingen Variant Classification Criteria Version 2. Collection method: clinical testing. Allele origin: germline. Affected: yes. Observed: 1 variant allele.
Comment: POLG: PM2

GeneDx
Classification: Uncertain significance. Last evaluated: 2025-04-21. Review status: criteria provided, single submitter. Criteria: GeneDx Variant Classification Process June 2021. Collection method: clinical testing. Allele origin: germline. Affected: yes.
Comment: Not observed at significant frequency in large population cohorts (gnomAD); In silico analysis supports that this missense variant has a deleterious effect on protein structure/function; Has not been previously published as pathogenic or benign to our knowledge

Labcorp Genetics (formerly Invitae), Labcorp
Classification: Uncertain significance for Progressive sclerosing poliodystrophy. Last evaluated: 2024-06-06. Review status: criteria provided, single submitter. Criteria: Invitae Variant Classification Sherloc (09022015). Collection method: clinical testing. Allele origin: germline.
Comment: This sequence change replaces serine, which is neutral and polar, with glycine, which is neutral and non-polar, at codon 352 of the POLG protein (p.Ser352Gly). This variant is present in population databases (no rsID available, gnomAD 0.003%). This variant has not been reported in the literature in individuals affected with POLG-related conditions. ClinVar contains an entry for this variant (Variation ID: 837430). Advanced modeling of protein sequence and biophysical properties (such as structural, functional, and spatial information, amino acid conservation, physicochemical variation, residue mobility, and thermodynamic stability) performed at Invitae indicates that this missense variant is expected to disrupt POLG protein function with a positive predictive value of 95%. In summary, the available evidence is currently insufficient to determine the role of this variant in disease. Therefore, it has been classified as a Variant of Uncertain Significance.

Ambry Genetics
Classification: Uncertain significance for Inborn genetic diseases. Last evaluated: 2018-01-05. Review status: criteria provided, single submitter. Criteria: Ambry Variant Classification Scheme 2023. Collection method: clinical testing. Allele origin: germline.
Comment: The p.S352G variant (also known as c.1054A>G), located in coding exon 4 of the POLG gene, results from an A to G substitution at nucleotide position 1054. The serine at codon 352 is replaced by glycine, an amino acid with similar properties. This amino acid position is highly conserved in available vertebrate species. In addition, this alteration is predicted to be deleterious by in silico analysis. Since supporting evidence is limited at this time, the clinical significance of this alteration remains unclear.

NM_002693.3(POLG):c.1054A>G (p.Ser352Gly)

Gene: POLG (DNA polymerase gamma, catalytic subunit; minus strand). Cytogenetic location: 15q26.1.
Variant type: single nucleotide variant.
Coding change: c.1054A>G on transcript NM_002693.3 (MANE Select); coding-DNA position 1054, A replaced by G.
Protein change: p.Ser352Gly; replaces serine 352 with glycine.
Molecular consequence: missense variant.
Genome position (GRCh38, 1-based): chr15:89,328,801, T>C on the plus strand (A>G on the coding strand, the complement: POLG is on the minus strand). VCF-style: chr15-89328801-T-C. GRCh37 (hg19) VCF-style: chr15-89872032-T-C.
Other names: c.1054A>G, p.Ser352Gly (NM_001126131.2); short protein forms S352G.
Identifiers: ClinVar variation 837430 (VCV000837430.14), dbSNP rs1326621426, ClinGen allele CA393765092.